The following is an entry in ClinVar:

ClinVar aggregate classification (germline): Uncertain significance (1 of 4 stars; one submission).

Conditions:
Primary ciliary dyskinesia. Also called: Ciliary dyskinesia. Identifiers: Orphanet 244, MedGen C0008780, MONDO:0016575, HP:0012265.

Submission:

Labcorp Genetics (formerly Invitae), Labcorp
Classification: Uncertain significance for Primary ciliary dyskinesia. Last evaluated: 2018-08-03. Review status: criteria provided, single submitter. Criteria: Invitae Variant Classification Sherloc (09022015). Collection method: clinical testing. Allele origin: germline.
Comment: This sequence change replaces arginine with serine at codon 344 of the DNAH11 protein (p.Arg344Ser). The arginine residue is moderately conserved and there is a moderate physicochemical difference between arginine and serine. This variant is not present in population databases (ExAC no frequency). This variant has not been reported in the literature in individuals with DNAH11-related disease. Algorithms developed to predict the effect of missense changes on protein structure and function are either unavailable or do not agree on the potential impact of this missense change (SIFT: "Deleterious"; PolyPhen-2: "Benign"; Align-GVGD: "Class C0"). In summary, the available evidence is currently insufficient to determine the role of this variant in disease. Therefore, it has been classified as a Variant of Uncertain Significance.

NM_001277115.2(DNAH11):c.1032A>T (p.Arg344Ser)

Gene: DNAH11 (dynein axonemal heavy chain 11; plus strand). Cytogenetic location: 7p15.3.
Variant type: single nucleotide variant.
Coding change: c.1032A>T on transcript NM_001277115.2 (MANE Select); coding-DNA position 1032, A replaced by T.
Protein change: p.Arg344Ser; replaces arginine 344 with serine.
Molecular consequence: missense variant.
Genome position (GRCh38, 1-based): chr7:21,564,235, A>T. VCF-style: chr7-21564235-A-T. GRCh37 (hg19) VCF-style: chr7-21603853-A-T.
Other names: short protein forms R344S.
Identifiers: ClinVar variation 649565 (VCV000649565.9), dbSNP rs1322188587, ClinGen allele CA366933620.
Genomic context (GRCh38, chr7:21,564,235, plus strand): 5'-TTTGCTTTCAGCTCTTCTCGAAGCCCAAGATGTGGAACTTTACCTGAGACCTCTGAGGAG[A>T]CACATCCAGTGTCTCCAGGAGACGGAATTCCCACAGACACGCATATTAATCGCTCCATTA-3'
Protein context (NP_001264044.1, residues 334-354): DVELYLRPLR[Arg344Ser]HIQCLQETEF